The following is an entry in ClinVar:

NM_021815.5(SLC5A7):c.1517C>T (p.Thr506Ile)

Gene: SLC5A7 (solute carrier family 5 member 7; plus strand). Cytogenetic location: 2q12.3.
Variant type: single nucleotide variant.
Coding change: c.1517C>T on transcript NM_021815.5 (MANE Select); coding-DNA position 1517, C replaced by T.
Protein change: p.Thr506Ile; replaces threonine 506 with isoleucine.
Molecular consequence: missense variant.
Genome position (GRCh38, 1-based): chr2:108,010,635, C>T. VCF-style: chr2-108010635-C-T. GRCh37 (hg19) VCF-style: chr2-108627091-C-T.
Other names: c.1517C>T, p.Thr506Ile (NM_001305005.3); c.1202C>T, p.Thr401Ile (NM_001305006.3); c.776C>T, p.Thr259Ile (NM_001305007.3); short protein forms T506I, T259I, T401I.
Identifiers: ClinVar variation 641212 (VCV000641212.6), dbSNP rs140863834, ClinGen allele CA1819186.
Genomic context (GRCh38, chr2:108,010,635, plus strand): 5'-CATCATTCTTAACCAACATTTGCATCTCCTATCTAGCCAAGTATCTATTTGAAAGTGGAA[C>T]CTTGCCACCTAAATTAGATGTATTTGATGCTGTTGTTGCAAGACACAGTGAAGAAAACAT-3'
Protein context (NP_068587.1, residues 496-516): YLAKYLFESG[Thr506Ile]LPPKLDVFDA

ClinVar aggregate classification (germline): Uncertain significance (1 of 4 stars; one submission).

Conditions:
Congenital myasthenic syndrome 20. Also called: Myasthenic syndrome, congenital, 20, presynaptic. Identifiers: MedGen C4310694, MONDO:0014939, OMIM 617143.
Neuronopathy, distal hereditary motor, type 7A. Also called: Neuronopathy, distal hereditary motor, type viia; Neuronopathy, distal hereditary motor, autosomal dominant 7; HARPER-YOUNG MYOPATHY; HMN VIIA; NEURONOPATHY, DISTAL HEREDITARY MOTOR, HARDING TYPE VIIA; NEUROPATHY, DISTAL HEREDITARY MOTOR, HARDING TYPE VIIA. Identifiers: Orphanet 139589, MedGen C1834703, MONDO:0008024, OMIM 158580.

Allele frequency attached by ClinVar (database versions not stated): gnomAD 0.00001; TOPMed 0.00001; ESP Exome Variant Server 0.00008; 1000 Genomes Project 30x 0.00016; 1000 Genomes Project 0.00020.
gnomAD v4.1: 4 of 1,613,944 alleles (0.00025%); highest among the groups gnomAD compares: African/African-American, 0.0027%; no homozygotes.

Submission:

Labcorp Genetics (formerly Invitae), Labcorp
Classification: Uncertain significance for Neuronopathy, distal hereditary motor, type 7A; Congenital myasthenic syndrome 20. Last evaluated: 2022-06-04. Review status: criteria provided, single submitter. Criteria: Invitae Variant Classification Sherloc (09022015). Collection method: clinical testing. Allele origin: germline.
Comment: ClinVar contains an entry for this variant (Variation ID: 641212). Algorithms developed to predict the effect of missense changes on protein structure and function (SIFT, PolyPhen-2, Align-GVGD) all suggest that this variant is likely to be tolerated. In summary, the available evidence is currently insufficient to determine the role of this variant in disease. Therefore, it has been classified as a Variant of Uncertain Significance. This variant has not been reported in the literature in individuals affected with SLC5A7-related conditions. This sequence change replaces threonine, which is neutral and polar, with isoleucine, which is neutral and non-polar, at codon 506 of the SLC5A7 protein (p.Thr506Ile). This variant is present in population databases (rs140863834, gnomAD 0.007%).